The following is an entry in ClinVar:

ClinVar aggregate classification (germline): Uncertain significance (1 of 4 stars; one submission).

Conditions:
Nephronophthisis-like nephropathy 1 (NPHPL1). Identifiers: Orphanet 655, MedGen C3150419, MONDO:0013163, OMIM 613159.

Allele frequency attached by ClinVar (database versions not stated): gnomAD 0.00003; TOPMed 0.00003; ExAC 0.00006; gnomAD exomes 0.00006; ESP Exome Variant Server 0.00008.
gnomAD v4.1: 83 of 1,613,978 alleles (0.0051%); highest among the groups gnomAD compares: South Asian, 0.024%; no homozygotes.

Submission:

Labcorp Genetics (formerly Invitae), Labcorp
Classification: Uncertain significance for Nephronophthisis-like nephropathy 1. Last evaluated: 2024-10-22. Review status: criteria provided, single submitter. Criteria: Invitae Variant Classification Sherloc (09022015). Collection method: clinical testing. Allele origin: germline.
Comment: This sequence change replaces arginine, which is basic and polar, with tryptophan, which is neutral and slightly polar, at codon 155 of the XPNPEP3 protein (p.Arg155Trp). This variant is present in population databases (rs140990185, gnomAD 0.03%). This missense change has been observed in individual(s) with Joubert syndrome (PMID: 21068128). ClinVar contains an entry for this variant (Variation ID: 2415202). Invitae Evidence Modeling of protein sequence and biophysical properties (such as structural, functional, and spatial information, amino acid conservation, physicochemical variation, residue mobility, and thermodynamic stability) indicates that this missense variant is expected to disrupt XPNPEP3 protein function with a positive predictive value of 80%. In summary, the available evidence is currently insufficient to determine the role of this variant in disease. Therefore, it has been classified as a Variant of Uncertain Significance.

Literature cited by the submitters: PubMed 21068128.

NM_022098.4(XPNPEP3):c.463C>T (p.Arg155Trp)

Gene: XPNPEP3 (X-prolyl aminopeptidase 3; plus strand). Cytogenetic location: 22q13.2.
Variant type: single nucleotide variant.
Coding change: c.463C>T on transcript NM_022098.4 (MANE Select); coding-DNA position 463, C replaced by T.
Protein change: p.Arg155Trp; replaces arginine 155 with tryptophan.
Molecular consequence: missense variant.
Genome position (GRCh38, 1-based): chr22:40,882,051, C>T. VCF-style: chr22-40882051-C-T. GRCh37 (hg19) VCF-style: chr22-41278055-C-T.
Other names: short protein forms R155W.
Identifiers: ClinVar variation 2415202 (VCV002415202.5), dbSNP rs140990185, ClinGen allele CA10251636.